The following is an entry in ClinVar:

ClinVar aggregate classification (germline): Uncertain significance. Review status: criteria provided, multiple submitters, no conflicts (2 of 4 stars). 4 submissions from 4 submitters: Uncertain significance (4). Last evaluated 2025-11-13.

Conditions:
Monogenic diabetes. Identifiers: Orphanet 183625, MedGen C3888631, MONDO:0015967.
Cataract 41 (CTRCT41). Also called: CATARACT 41, CONGENITAL NUCLEAR TYPE. Identifiers: Orphanet 91492, Orphanet 98991, Orphanet 98992, Orphanet 98995, MedGen C3805412, MONDO:0007287, OMIM 116400.
Autosomal dominant nonsyndromic hearing loss 6 (LFSNHL). Also called: DEAFNESS, AUTOSOMAL DOMINANT 6; DEAFNESS, AUTOSOMAL DOMINANT 14; DEAFNESS, AUTOSOMAL DOMINANT 38; Autosomal dominant nonsyndromic deafness 6. Identifiers: Orphanet 90635, MedGen C1833021, MONDO:0010963, OMIM 600965.
Type 2 diabetes mellitus. Also called: Type II diabetes mellitus. Identifiers: MedGen C0011860, MeSH D003924, MONDO:0005148, OMIM 125853, HP:0005978.
Wolfram syndrome 1 (WFS1). Identifiers: Orphanet 3463, MedGen C4551693, MONDO:0009101, OMIM 222300.
Wolfram-like syndrome. Also called: HEARING LOSS, PROGRESSIVE, WITH OPTIC ATROPHY AND/OR IMPAIRED GLUCOSE REGULATION. Identifiers: Orphanet 411590, MedGen C3280358, MONDO:0013673, OMIM 614296.

Allele frequency attached by ClinVar (database versions not stated): ESP Exome Variant Server 0.00008.
gnomAD v4.1: 7 of 1,614,048 alleles (0.00043%); highest among the groups gnomAD compares: Middle Eastern, 0.082%; no homozygotes.

Submissions (4):

Labcorp Genetics (formerly Invitae), Labcorp
Classification: Uncertain significance. Last evaluated: 2025-11-13. Review status: criteria provided, single submitter. Criteria: Invitae Variant Classification Sherloc (09022015). Collection method: clinical testing. Allele origin: germline.
Comment: This sequence change replaces leucine, which is neutral and non-polar, with isoleucine, which is neutral and non-polar, at codon 327 of the WFS1 protein (p.Leu327Ile). This variant is present in population databases (rs71537678, gnomAD no frequency). This variant has not been reported in the literature in individuals affected with WFS1-related conditions. ClinVar contains an entry for this variant (Variation ID: 549511). Invitae Evidence Modeling of protein sequence and biophysical properties (such as structural, functional, and spatial information, amino acid conservation, physicochemical variation, residue mobility, and thermodynamic stability) has been performed for this missense variant. However, the output from this modeling did not meet the statistical confidence thresholds required to predict the impact of this variant on WFS1 protein function. In summary, the available evidence is currently insufficient to determine the role of this variant in disease. Therefore, it has been classified as a Variant of Uncertain Significance.

Fulgent Genetics
Classification: Uncertain significance for Cataract 41; Type 2 diabetes mellitus; Wolfram syndrome 1; Autosomal dominant nonsyndromic hearing loss 6; Wolfram-like syndrome. Last evaluated: 2022-04-20. Review status: criteria provided, single submitter. Criteria: ACMG Guidelines, 2015. Collection method: clinical testing. Allele origin: unknown.

Blueprint Genetics
Classification: Uncertain significance. Last evaluated: 2018-12-12. Review status: criteria provided, single submitter. Criteria: ACMG Guidelines, 2015. Collection method: clinical testing. Allele origin: germline.

Personalized Diabetes Medicine Program, University of Maryland School of Medicine
Classification: Uncertain significance for Monogenic diabetes. Last evaluated: 2017-07-27. Review status: criteria provided, single submitter. Criteria: ACMG Guidelines, 2015. Collection method: research. Allele origin: unknown. Observed: 1 variant allele, 1 heterozygote. Study: Personalized Diabetes Medicine Program.
Comment: ACMG Criteria:PP3 (9 predictors)

NM_006005.3(WFS1):c.979C>A (p.Leu327Ile)

Gene: WFS1 (wolframin ER transmembrane glycoprotein; plus strand). Cytogenetic location: 4p16.1.
Variant type: single nucleotide variant.
Coding change: c.979C>A on transcript NM_006005.3 (MANE Select); coding-DNA position 979, C replaced by A.
Protein change: p.Leu327Ile; replaces leucine 327 with isoleucine.
Molecular consequence: missense variant.
Genome position (GRCh38, 1-based): chr4:6,300,774, C>A. VCF-style: chr4-6300774-C-A. GRCh37 (hg19) VCF-style: chr4-6302501-C-A.
Other names: c.979C>A, p.Leu327Ile (NM_001145853.1); short protein forms L327I.
Identifiers: ClinVar variation 549511 (VCV000549511.13), dbSNP rs71537678, ClinGen allele CA91796219.